The following is an entry in ClinVar:

ClinVar aggregate classification (germline): Benign. Review status: criteria provided, multiple submitters, no conflicts (2 of 4 stars). 3 submissions from 3 submitters: Benign (3). Last evaluated 2023-11-12.

Allele frequency attached by ClinVar (database versions not stated): gnomAD exomes 0.26999; gnomAD 0.37693 and 0.37853; TOPMed 0.38194; 1000 Genomes Project 0.43131; 1000 Genomes Project 30x 0.43332.

Submissions (3):

Unidad de Genómica Garrahan, Hospital de Pediatría Garrahan
Classification: Benign. Last evaluated: 2023-11-12. Review status: criteria provided, single submitter. Criteria: ACMG Guidelines, 2015. Collection method: clinical testing. Allele origin: germline. Affected: no. Observed: 59 variant alleles.
Comment: This variant is classified as Benign based on local population frequency. This variant was detected in 61% of patients studied by a panel of primary immunodeficiencies. Number of patients: 59. Only high quality variants are reported.

GeneDx
Classification: Benign. Last evaluated: 2018-06-26. Review status: criteria provided, single submitter. Criteria: GeneDx Variant Classification Process June 2021. Collection method: clinical testing. Allele origin: germline. Affected: yes.

Breakthrough Genomics
Classification: Benign. Review status: criteria provided, single submitter. Criteria: ACMG Guidelines, 2015. Collection method: not provided. Allele origin: germline. Inheritance: Autosomal recessive inheritance. Affected: yes.

NM_203447.4(DOCK8):c.3701-78T>C

Gene: DOCK8 (dedicator of cytokinesis 8; plus strand). Cytogenetic location: 9p24.3.
Variant type: single nucleotide variant.
Coding change: c.3701-78T>C on transcript NM_203447.4 (MANE Select); 78 bases into the intron before coding-DNA position 3701, T replaced by C.
Molecular consequence: intron variant.
Genome position (GRCh38, 1-based): chr9:417,990, T>C. VCF-style: chr9-417990-T-C. GRCh37 (hg19) VCF-style: chr9-417990-T-C.
Other names: c.3497-78T>C (NM_001193536.2); c.3401-78T>C (NM_001190458.2).
Identifiers: ClinVar variation 1290510 (VCV001290510.5), dbSNP rs7027996, ClinGen allele CA13091984.